The following is an entry in ClinVar:

ClinVar aggregate classification (germline): Uncertain significance (1 of 4 stars; one submission).

Submission:

Labcorp Genetics (formerly Invitae), Labcorp
Classification: Uncertain significance. Last evaluated: 2022-04-12. Review status: criteria provided, single submitter. Criteria: Invitae Variant Classification Sherloc (09022015). Collection method: clinical testing. Allele origin: germline.
Comment: In summary, the available evidence is currently insufficient to determine the role of this variant in disease. Therefore, it has been classified as a Variant of Uncertain Significance. Algorithms developed to predict the effect of missense changes on protein structure and function (SIFT, PolyPhen-2, Align-GVGD) all suggest that this variant is likely to be tolerated. This variant has not been reported in the literature in individuals affected with CFB-related conditions. This variant is not present in population databases (gnomAD no frequency). This sequence change replaces asparagine, which is neutral and polar, with serine, which is neutral and polar, at codon 285 of the CFB protein (p.Asn285Ser).

NM_001710.6(CFB):c.854A>G (p.Asn285Ser)

Gene: CFB (complement factor B; plus strand). Cytogenetic location: 6p21.33.
Variant type: single nucleotide variant.
Coding change: c.854A>G on transcript NM_001710.6 (MANE Select); coding-DNA position 854, A replaced by G.
Protein change: p.Asn285Ser; replaces asparagine 285 with serine.
Molecular consequence: missense variant.
Genome position (GRCh38, 1-based): chr6:31,948,038, A>G. VCF-style: chr6-31948038-A-G. GRCh37 (hg19) VCF-style: chr6-31915815-A-G.
Other names: short protein forms N285S.
Identifiers: ClinVar variation 2112938 (VCV002112938.4), dbSNP rs2482685674, ClinGen allele CA363396264.